The following is an entry in ClinVar:

NM_004563.4(PCK2):c.1469-1G>A

Genes: NRL (neural retina leucine zipper; minus strand), PCK2 (phosphoenolpyruvate carboxykinase 2, mitochondrial; plus strand). Cytogenetic location: 14q12.
Variant type: single nucleotide variant.
Coding change: c.1469-1G>A on transcript NM_004563.4 (MANE Select); the canonical splice acceptor site of the intron before coding-DNA position 1469, G replaced by A.
Molecular consequence: splice acceptor variant. On other transcripts: intron variant (3).
Genome position (GRCh38, 1-based): chr14:24,103,509, G>A. VCF-style: chr14-24103509-G-A. GRCh37 (hg19) VCF-style: chr14-24572718-G-A.
Other names: NC_000014.8:g.24572718G>A; c.-28+11213C>T (NM_001354768.3, NM_001354770.2); c.-254+11213C>T (NM_006177.5); c.1067-1G>A (NM_001308054.2, NM_001291556.2).
Identifiers: ClinVar variation 452765 (VCV000452765.5), dbSNP rs376278710, ClinGen allele CA7123539.
Genomic context (GRCh38, chr14:24,103,509, plus strand): 5'-GGGTGCCCTTCCCTACCCCAGTGAGAAGGAAGATTCCTTACCCATCTTGCTTCCCCCCCA[G>A]GGAAGATCATCATGCACGACCCATTTGCCATGCGGCCCTTTTTTGGCTACAACTTCGGGC-3'

ClinVar aggregate classification (germline): Uncertain significance. Review status: criteria provided, multiple submitters, no conflicts (2 of 4 stars). 2 submissions from 2 submitters: Uncertain significance (2). Last evaluated 2025-05-06.

Allele frequency attached by ClinVar (database versions not stated): gnomAD 0.00003; gnomAD exomes 0.00004; TOPMed 0.00004; ExAC 0.00005; ESP Exome Variant Server 0.00008.
gnomAD v4.1: 69 of 1,543,458 alleles (0.0045%); highest among the groups gnomAD compares: Non-Finnish European, 0.0056%; no homozygotes.

Submissions (3):

Labcorp Genetics (formerly Invitae), Labcorp
Classification: Uncertain significance. Last evaluated: 2025-05-06. Review status: criteria provided, single submitter. Criteria: Invitae Variant Classification Sherloc (09022015). Collection method: clinical testing. Allele origin: germline.
Comment: This sequence change falls in intron 9 of the PCK2 gene. It does not directly change the encoded amino acid sequence of the PCK2 protein. It affects a nucleotide within the consensus splice site. This variant is present in population databases (rs376278710, gnomAD 0.008%). This variant has not been reported in the literature in individuals affected with PCK2-related conditions. ClinVar contains an entry for this variant (Variation ID: 452765). Variants that disrupt the consensus splice site are a relatively common cause of aberrant splicing (PMID: 17576681, 9536098). Algorithms developed to predict the effect of sequence changes on RNA splicing suggest that this variant may disrupt the consensus splice site. In summary, the available evidence is currently insufficient to determine the role of this variant in disease. Therefore, it has been classified as a Variant of Uncertain Significance.

GeneDx
Classification: Uncertain significance. Last evaluated: 2017-10-16. Review status: criteria provided, single submitter. Criteria: GeneDx Variant Classification (06012015). Collection method: clinical testing. Allele origin: germline. Affected: yes.
Comment: The c.1469-1G>A variant in the PCK2 gene has not been reported previously as a pathogenic variant nor as a benign variant, to our knowledge. This splice site variant destroys the canonical splice acceptor site in intron 9. It is predicted to cause abnormal gene splicing, either leading to an abnormal message that is subject to nonsense-mediated mRNA decay, or to an abnormal protein product if the message is used for protein translation. Although not observed in the homozygous state, the c.1469-1G>A variant is observed in 7/89482 (0.01%) alleles from individuals of non-Finnish European background in large population cohorts (Lek et al., 2016). We interpret c.1469-1G>A as a variant of uncertain significance.

Dr. Peter K. Rogan Lab, Western University
No classification provided (evidence only). Condition: Familial cancer of breast. Review status: no classification provided. Collection method: in vitro. Allele origin: not applicable. Functional consequence: retained intron. Not counted in ClinVar's aggregate classification.

Literature cited by the submitters: PubMed 17576681 (cited by Labcorp Genetics (formerly Invitae), Labcorp); PubMed 9536098 (cited by Labcorp Genetics (formerly Invitae), Labcorp).